The following is an entry in ClinVar:

NM_000548.5(TSC2):c.1507C>T (p.Gln503Ter)

Gene: TSC2 (TSC complex subunit 2; plus strand). Cytogenetic location: 16p13.3.
Variant type: single nucleotide variant.
Coding change: c.1507C>T on transcript NM_000548.5 (MANE Select); coding-DNA position 1507, C replaced by T.
Protein change: p.Gln503Ter; replaces glutamine 503 with a stop codon.
Molecular consequence: nonsense.
Genome position (GRCh38, 1-based): chr16:2,064,335, C>T. VCF-style: chr16-2064335-C-T. GRCh37 (hg19) VCF-style: chr16-2114336-C-T.
Other names: c.1507C>T, p.Gln503Ter (NM_001077183.3, NM_001114382.3, NM_001363528.2 and 3 more transcripts); c.1396C>T, p.Gln466Ter (NM_001318827.2); c.1360C>T, p.Gln454Ter (NM_001318829.2); c.907C>T, p.Gln303Ter (NM_001318831.2); c.1540C>T, p.Gln514Ter (NM_001318832.2); short protein forms Q503*, Q303*, Q466*, Q514*, Q454*.
Identifiers: ClinVar variation 64909 (VCV000064909.4), dbSNP rs397514929, ClinGen allele CA014993.

ClinVar aggregate classification (germline): Pathogenic. Review status: criteria provided, single submitter (1 of 4 stars). 3 submissions from 2 submitters: Pathogenic (1). 2 of the submissions do not count toward it. Last evaluated 2019-12-17.

Conditions:
Tuberous sclerosis syndrome (TSC). Also called: Tuberous Sclerosis Complex; Tuberous sclerosis. Identifiers: Orphanet 805, MedGen C0041341, MONDO:0001734.

Submissions (3):

GeneDx
Classification: Pathogenic. Last evaluated: 2019-12-17. Review status: criteria provided, single submitter. Criteria: GeneDx Variant Classification Process June 2021. Collection method: clinical testing. Allele origin: germline. Affected: yes.
Comment: Nonsense variant predicted to result in protein truncation or nonsense mediated decay in a gene for which loss-of-function is a known mechanism of disease; Not observed in large population cohorts (Lek et al., 2016); Reported previously in a patient with tuberous sclerosis complex, however information about parental testing was not provided (Cai et al., 2017); This variant is associated with the following publications: (PMID: 21309039, 28065512, 15798777, 25525159)

Tuberous sclerosis database (TSC2)
No classification provided. Condition: TSC. Review status: no classification provided. Criteria: Tuberous Sclerosis Database Assertion Criteria 2015. Collection method: curation. Allele origin: germline. Affected: yes. Not counted in ClinVar's aggregate classification.

Tuberous sclerosis database (TSC2)
No classification provided. Condition: TSC. Review status: flagged submission. Criteria: Tuberous Sclerosis Database Assertion Criteria 2015. Collection method: curation. Allele origin: germline. Affected: yes. Not counted in ClinVar's aggregate classification.
ClinVar note: Reason: This record appears to be redundant with a more recent record from the same submitter.
ClinVar note: Notes: SCV000083328 appears to be redundant with SCV000083725.